The following is an entry in ClinVar:

ClinVar aggregate classification (germline): Pathogenic (1 of 4 stars; one submission).

Conditions:
Joubert syndrome and related disorders. Identifiers: Orphanet 140874, MedGen C5679612, MONDO:0015369.

Submission:

Myriad Genetics, Inc.
Classification: Pathogenic for Joubert syndrome and related disorders. Last evaluated: 2025-05-21. Review status: criteria provided, single submitter. Criteria: Myriad Autosomal Dominant, Autosomal Recessive and X-Linked Classification Criteria (2023). Collection method: clinical testing. Allele origin: unknown.
Comment: NM_001080522.2(CC2D2A):c.2821_2822delGT(V941Ifs*5) is expected to be pathogenic in the context of CC2D2A-related disorders. This variant is predicted to lead to an abnormal or absent protein product due to the creation of a premature termination codon in CC2D2A, a gene where loss-of-function variants are known to be pathogenic. Please note: this variant was assessed in the context of healthy population screening.

NM_001378615.1(CC2D2A):c.2821_2822del (p.Val941fs)

Genes: CC2D2A (coiled-coil and C2 domain containing 2A; plus strand), FBXL5 (F-box and leucine rich repeat protein 5; minus strand). Cytogenetic location: 4p15.32.
Variant type: Deletion.
Coding change: c.2821_2822del on transcript NM_001378615.1 (MANE Select); coding-DNA positions 2821 to 2822, 2 bases deleted (GT; older notation c.2821_2822delGT).
Protein change: p.Val941fs; shifts the reading frame from valine 941.
Molecular consequence: frameshift variant.
Genome position (GRCh38, 1-based): chr4:15,557,499-15,557,500, GT deleted. VCF-style (leftmost placement, unchanged base first): chr4-15557498-GGT-G. GRCh37 (hg19) VCF-style: chr4-15559121-GGT-G.
Other names: c.2821_2822del, p.Val941fs (NM_001080522.2); c.2674_2675del, p.Val892fs (NM_001378617.1); short protein forms V892fs, V941fs.
Identifiers: ClinVar variation 5014491 (VCV005014491.1).